The following is an entry in ClinVar:

NM_005379.4(MYO1A):c.2920G>A (p.Glu974Lys)

Gene: MYO1A (myosin IA; minus strand). Cytogenetic location: 12q13.3.
Variant type: single nucleotide variant.
Coding change: c.2920G>A on transcript NM_005379.4 (MANE Select); coding-DNA position 2920, G replaced by A.
Protein change: p.Glu974Lys; replaces glutamic acid 974 with lysine.
Molecular consequence: missense variant.
Genome position (GRCh38, 1-based): chr12:57,029,217, C>T on the plus strand (G>A on the coding strand, the complement: MYO1A is on the minus strand). VCF-style: chr12-57029217-C-T. GRCh37 (hg19) VCF-style: chr12-57423001-C-T.
Other names: c.2920G>A, p.Glu974Lys (NM_001256041.2); short protein forms E974K.
Identifiers: ClinVar variation 178845 (VCV000178845.6), dbSNP rs370708976, ClinGen allele CA183144.

ClinVar aggregate classification (germline): Conflicting classifications of pathogenicity. Review status: criteria provided, conflicting classifications (1 of 4 stars). 2 submissions from 2 submitters: Uncertain significance (1); Likely benign (1). Last evaluated 2018-09-09.

Allele frequency attached by ClinVar (database versions not stated): gnomAD below 0.00001 and 0.00030; TOPMed 0.00004; gnomAD exomes 0.00041 and 0.00079; ExAC 0.00094; 1000 Genomes Project 30x 0.00187; 1000 Genomes Project 0.00220.
gnomAD v4.1: 637 of 1,614,166 alleles (0.039%); highest among the groups gnomAD compares: South Asian, 0.66%; 6 homozygotes.

Submissions (2):

GeneDx
Classification: Likely benign. Last evaluated: 2018-09-09. Review status: criteria provided, single submitter. Criteria: GeneDx Variant Classification Process June 2021. Collection method: clinical testing. Allele origin: germline. Affected: yes.

Laboratory for Molecular Medicine, Mass General Brigham Personalized Medicine
Classification: Uncertain significance. Last evaluated: 2013-04-04. Review status: criteria provided, single submitter. Criteria: LMM Criteria. Collection method: clinical testing. Allele origin: germline. Observed: 1 variant allele.
Comment: Variant classified as Uncertain Significance - Favor Benign. The Glu974Lys varia nt in MYO1A has not been reported in individuals affected with hearing loss or i n large population studies. Computational analyses (biochemical amino acid prope rties, conservation, AlignGVGD, PolyPhen2, and SIFT) suggest that the Glu974Lys variant may not impact the protein, though this information is not predictive en ough to rule out pathogenicity. In summary, the clinical significance of this va riant cannot be determined with certainty; however, based upon low conservation and computational predictions, we lean towards a more likely benign role.